The following is an entry in ClinVar:

ClinVar aggregate classification (germline): Uncertain significance (1 of 4 stars; one submission).

gnomAD v4.1: 3 of 1,548,556 alleles (0.00019%); highest among the groups gnomAD compares: Non-Finnish European, 0.00026%; no homozygotes.

Submission:

Ambry Genetics
Classification: Uncertain significance. Last evaluated: 2024-06-03. Review status: criteria provided, single submitter. Criteria: Ambry Variant Classification Scheme 2023. Collection method: clinical testing. Allele origin: germline.
Comment: The p.R129G variant (also known as c.385C>G), located in coding exon 1 of the TERF2IP gene, results from a C to G substitution at nucleotide position 385. The arginine at codon 129 is replaced by glycine, an amino acid with dissimilar properties. This amino acid position is conserved. In addition, this alteration is predicted to be tolerated by in silico analysis. Since supporting evidence is limited at this time, the clinical significance of this alteration remains unclear.

NM_018975.4(TERF2IP):c.385C>G (p.Arg129Gly)

Gene: TERF2IP (TERF2 interacting protein; plus strand). Cytogenetic location: 16q23.1.
Variant type: single nucleotide variant.
Coding change: c.385C>G on transcript NM_018975.4 (MANE Select); coding-DNA position 385, C replaced by G.
Protein change: p.Arg129Gly; replaces arginine 129 with glycine.
Molecular consequence: missense variant. On other transcripts: non-coding transcript variant (1).
Genome position (GRCh38, 1-based): chr16:75,648,267, C>G. VCF-style: chr16-75648267-C-G. GRCh37 (hg19) VCF-style: chr16-75682165-C-G.
Other names: short protein forms R129G.
Identifiers: ClinVar variation 1735584 (VCV001735584.3), dbSNP rs2082317976, ClinGen allele CA396817793.